The following is an entry in ClinVar:

NM_006208.3(ENPP1):c.976G>A (p.Asp326Asn)

Gene: ENPP1 (ectonucleotide pyrophosphatase/phosphodiesterase 1; plus strand). Cytogenetic location: 6q23.2.
Variant type: single nucleotide variant.
Coding change: c.976G>A on transcript NM_006208.3 (MANE Select); coding-DNA position 976, G replaced by A.
Protein change: p.Asp326Asn; replaces aspartic acid 326 with asparagine.
Molecular consequence: missense variant.
Genome position (GRCh38, 1-based): chr6:131,861,655, G>A. VCF-style: chr6-131861655-G-A. GRCh37 (hg19) VCF-style: chr6-132182795-G-A.
Other names: short protein forms D326N.
Identifiers: ClinVar variation 3691759 (VCV003691759.2).

ClinVar aggregate classification (germline): Uncertain significance (1 of 4 stars; one submission).

gnomAD v4.1: 11 of 1,613,824 alleles (0.00068%); highest among the groups gnomAD compares: Non-Finnish European, 0.00085%; no homozygotes.

Submission:

Labcorp Genetics (formerly Invitae), Labcorp
Classification: Uncertain significance. Last evaluated: 2024-07-17. Review status: criteria provided, single submitter. Criteria: Invitae Variant Classification Sherloc (09022015). Collection method: clinical testing. Allele origin: germline.
Comment: This sequence change replaces aspartic acid, which is acidic and polar, with asparagine, which is neutral and polar, at codon 326 of the ENPP1 protein (p.Asp326Asn). This variant is not present in population databases (gnomAD no frequency). This variant has not been reported in the literature in individuals affected with ENPP1-related conditions. An algorithm developed to predict the effect of missense changes on protein structure and function (PolyPhen-2) suggests that this variant is likely to be disruptive. In summary, the available evidence is currently insufficient to determine the role of this variant in disease. Therefore, it has been classified as a Variant of Uncertain Significance.